The following is an entry in ClinVar:

NM_206937.2(LIG4):c.1538A>G (p.Lys513Arg)

Gene: LIG4 (DNA ligase 4; minus strand). Cytogenetic location: 13q33.3.
Variant type: single nucleotide variant.
Coding change: c.1538A>G on transcript NM_206937.2 (MANE Select); coding-DNA position 1538, A replaced by G.
Protein change: p.Lys513Arg; replaces lysine 513 with arginine.
Molecular consequence: missense variant.
Genome position (GRCh38, 1-based): chr13:108,209,731, T>C on the plus strand (A>G on the coding strand, the complement: LIG4 is on the minus strand). VCF-style: chr13-108209731-T-C. GRCh37 (hg19) VCF-style: chr13-108862079-T-C.
Other names: c.1538A>G, p.Lys513Arg (NM_001352600.2, NM_001352601.2, NM_001352602.2 and 6 more transcripts); c.1574A>G, p.Lys525Arg (NM_001352604.2); c.1337A>G, p.Lys446Arg (NM_001330595.2); short protein forms K446R, K513R, K525R.
Identifiers: ClinVar variation 1407194 (VCV001407194.7), dbSNP rs538857114, ClinGen allele CA7043667.

ClinVar aggregate classification (germline): Uncertain significance. Review status: criteria provided, multiple submitters, no conflicts (2 of 4 stars). 2 submissions from 2 submitters: Uncertain significance (2). Last evaluated 2024-11-04.

Conditions:
DNA ligase IV deficiency. Identifiers: Orphanet 99812, MedGen C1847827, MONDO:0011686, OMIM 606593.
Inborn genetic diseases. Identifiers: MedGen C0950123, MeSH D030342.

Allele frequency attached by ClinVar (database versions not stated): gnomAD 0.00001; gnomAD exomes 0.00001 and 0.00004; TOPMed 0.00001; ExAC 0.00002.
gnomAD v4.1: 17 of 1,614,082 alleles (0.0011%); highest among the groups gnomAD compares: East Asian, 0.031%; 1 homozygote.

Submissions (2):

Labcorp Genetics (formerly Invitae), Labcorp
Classification: Uncertain significance for DNA ligase IV deficiency. Last evaluated: 2024-11-04. Review status: criteria provided, single submitter. Criteria: Invitae Variant Classification Sherloc (09022015). Collection method: clinical testing. Allele origin: germline.
Comment: This sequence change replaces lysine, which is basic and polar, with arginine, which is basic and polar, at codon 513 of the LIG4 protein (p.Lys513Arg). This variant is present in population databases (rs538857114, gnomAD 0.05%). This variant has not been reported in the literature in individuals affected with LIG4-related conditions. ClinVar contains an entry for this variant (Variation ID: 1407194). Invitae Evidence Modeling of protein sequence and biophysical properties (such as structural, functional, and spatial information, amino acid conservation, physicochemical variation, residue mobility, and thermodynamic stability) has been performed for this missense variant. However, the output from this modeling did not meet the statistical confidence thresholds required to predict the impact of this variant on LIG4 protein function. In summary, the available evidence is currently insufficient to determine the role of this variant in disease. Therefore, it has been classified as a Variant of Uncertain Significance.

Ambry Genetics
Classification: Uncertain significance for Inborn genetic diseases. Last evaluated: 2023-05-03. Review status: criteria provided, single submitter. Criteria: Ambry Variant Classification Scheme 2023. Collection method: clinical testing. Allele origin: germline.